The following is an entry in ClinVar:

NM_001111.5(ADAR):c.1372G>A (p.Asp458Asn)

Gene: ADAR (adenosine deaminase RNA specific; minus strand). Cytogenetic location: 1q21.3.
Variant type: single nucleotide variant.
Coding change: c.1372G>A on transcript NM_001111.5 (MANE Select); coding-DNA position 1372, G replaced by A.
Protein change: p.Asp458Asn; replaces aspartic acid 458 with asparagine.
Molecular consequence: missense variant.
Genome position (GRCh38, 1-based): chr1:154,601,270, C>T on the plus strand (G>A on the coding strand, the complement: ADAR is on the minus strand). VCF-style: chr1-154601270-C-T. GRCh37 (hg19) VCF-style: chr1-154573746-C-T.
Other names: c.487G>A, p.Asp163Asn (NM_001025107.3, NM_001193495.2, NM_001365046.1 and 3 more transcripts); c.1399G>A, p.Asp467Asn (NM_001365045.1); c.1372G>A, p.Asp458Asn (NM_015840.4, NM_015841.4); short protein forms D163N, D458N, D467N.
Identifiers: ClinVar variation 874511 (VCV000874511.9), dbSNP rs759763367, ClinGen allele CA30809859.

ClinVar aggregate classification (germline): Uncertain significance. Review status: criteria provided, multiple submitters, no conflicts (2 of 4 stars). 4 submissions from 4 submitters: Uncertain significance (4). Last evaluated 2025-01-30.

Conditions:
Symmetrical dyschromatosis of extremities (DSH). Also called: Dyschromatosis symmetrica hereditaria; DYSCHROMATOSIS SYMMETRICA HEREDITARIA 1; RETICULATE ACROPIGMENTATION OF DOHI; SYMMETRIC DYSCHROMATOSIS OF THE EXTREMITIES. Identifiers: Orphanet 41, MedGen C0406775, MONDO:0007483, OMIM 127400.
Aicardi-Goutieres syndrome 6 (AGS6). Identifiers: Orphanet 51, MedGen C3539013, MONDO:0014007, OMIM 615010.
Inborn genetic diseases. Identifiers: MedGen C0950123, MeSH D030342.

Allele frequency attached by ClinVar (database versions not stated): gnomAD exomes 0.00003.
gnomAD v4.1: 43 of 1,614,236 alleles (0.0027%); highest among the groups gnomAD compares: Non-Finnish European, 0.0036%; no homozygotes.

Submissions (4):

Labcorp Genetics (formerly Invitae), Labcorp
Classification: Uncertain significance for Aicardi-Goutieres syndrome 6; Symmetrical dyschromatosis of extremities. Last evaluated: 2025-01-30. Review status: criteria provided, single submitter. Criteria: Invitae Variant Classification Sherloc (09022015). Collection method: clinical testing. Allele origin: germline.
Comment: This sequence change replaces aspartic acid, which is acidic and polar, with asparagine, which is neutral and polar, at codon 458 of the ADAR protein (p.Asp458Asn). This variant is not present in population databases (gnomAD no frequency). This variant has not been reported in the literature in individuals affected with ADAR-related conditions. ClinVar contains an entry for this variant (Variation ID: 874511). Invitae Evidence Modeling of protein sequence and biophysical properties (such as structural, functional, and spatial information, amino acid conservation, physicochemical variation, residue mobility, and thermodynamic stability) indicates that this missense variant is not expected to disrupt ADAR protein function with a negative predictive value of 80%. In summary, the available evidence is currently insufficient to determine the role of this variant in disease. Therefore, it has been classified as a Variant of Uncertain Significance.

Genome-Nilou Lab
Classification: Uncertain significance for Aicardi-Goutieres syndrome 6. Last evaluated: 2023-04-11. Review status: criteria provided, single submitter. Criteria: ACMG Guidelines, 2015. Collection method: clinical testing. Allele origin: germline. Affected: no.

Ambry Genetics
Classification: Uncertain significance for Inborn genetic diseases. Last evaluated: 2022-12-28. Review status: criteria provided, single submitter. Criteria: Ambry Variant Classification Scheme 2023. Collection method: clinical testing. Allele origin: germline.

Illumina Laboratory Services, Illumina
Classification: Uncertain significance for Symmetrical dyschromatosis of extremities. Last evaluated: 2017-04-27. Review status: criteria provided, single submitter. Criteria: ICSL Variant Classification Criteria 13 December 2019. Collection method: clinical testing. Allele origin: germline.